The following is an entry in ClinVar:

ClinVar aggregate classification (germline): Conflicting classifications of pathogenicity. Review status: criteria provided, conflicting classifications (1 of 4 stars). 15 submissions from 15 submitters: Pathogenic (4); Likely pathogenic (8); Uncertain significance (1); Benign (1); Likely benign (1). Last evaluated 2026-06-23.

Conditions:
ATP7B-related disorder. Also called: ATP7B-related condition.
Wilson disease (WND). Also called: Wilson's disease. Identifiers: Orphanet 905, MedGen C0019202, MONDO:0010200, OMIM 277900. Disease mechanism: loss of function.

Allele frequency attached by ClinVar (database versions not stated): gnomAD exomes below 0.00001 and 0.00001; ExAC 0.00001; gnomAD 0.00001; TOPMed 0.00003; ESP Exome Variant Server 0.00008.
gnomAD v4.1: 14 of 1,614,048 alleles (0.00087%); highest among the groups gnomAD compares: South Asian, 0.0033%; no homozygotes.

Submissions 1 to 9 of 15:

PreventionGenetics, part of Exact Sciences
Classification: Likely pathogenic for ATP7B-related condition. Last evaluated: 2026-06-23. Review status: criteria provided, single submitter. Criteria: ACMG Guidelines, 2015. Collection method: clinical testing. Allele origin: germline.
Comment: The ATP7B c.2292C>T variant is not predicted to result in an amino acid change (p.=). This variant has been reported in the homozygous or compound heterozygous state with other ATP7B variants in multiple individuals with Wilson disease (Table S1, Fang et al. 2021. PubMed ID: 33763395; Panzer et al. 2022. PubMed ID: 35271763; Lildballe et al. 2026. PubMed ID: 42000590; Mrázová et al. 2026. PubMed ID: 41756680). Moreover, this variant has also been observed in individuals from multiple Wilson disease cohort studies (Todorov et al. 2005. PubMed ID: 16207219; Table S6, Collins et al. 2021. PubMed ID: 33640437; Table S1, Nayagam et al. 2022. PubMed ID: 36096368; Xu et al. 2022. PubMed ID: 36343861). In vitro experimental studies are conflicting for this variant. One RT-PCR study suggests this variant affects splicing, causing exon 8 skipping (Mrázová et al. 2026. PubMed ID: 41756680). However, another RT-PCR study using blood leukocytes and HepG2 cells suggest this variant does not affect splicing (Xu et al. 2022. PubMed ID: 36343861). This variant is reported in 0.0041% of alleles in individuals of African descent in gnomAD. This variant has conflicting classifications listed in ClinVar ranging from benign to pathogenic; however, the vast majority of labs have this variant classified as pathogenic/likely pathogenic (Variation ID: 157937). Taken together, this variant is interpreted as likely pathogenic.

Labcorp Genetics (formerly Invitae), Labcorp
Classification: Pathogenic for Wilson disease. Last evaluated: 2026-02-03. Review status: criteria provided, single submitter. Criteria: Invitae Variant Classification Sherloc (09022015). Collection method: clinical testing. Allele origin: germline.
Comment: This sequence change affects codon 764 of the ATP7B mRNA. It is a 'silent' change, meaning that it does not change the encoded amino acid sequence of the ATP7B protein. This variant is present in population databases (rs372979339, gnomAD 0.004%). This variant has been observed in individual(s) with Wilson disease (PMID: 31059521, 33640437, 33763395; internal data). In at least one individual the data is consistent with being in trans (on the opposite chromosome) from a pathogenic variant. ClinVar contains an entry for this variant (Variation ID: 157937). Algorithms developed to predict the effect of sequence changes on RNA splicing suggest that this variant is not likely to affect RNA splicing. For these reasons, this variant has been classified as Pathogenic.

CeGaT Center for Human Genetics Tuebingen
Classification: Likely pathogenic. Last evaluated: 2026-02-01. Review status: criteria provided, single submitter. Criteria: CeGaT Center For Human Genetics Tuebingen Variant Classification Criteria Version 2. Collection method: clinical testing. Allele origin: germline. Affected: yes. Observed: 1 variant allele.
Comment: ATP7B: PM3:Very Strong, PM2, PP4, BP4, BP7

GeneDx
Classification: Likely pathogenic. Last evaluated: 2025-08-22. Review status: criteria provided, single submitter. Criteria: GeneDx Variant Classification Process June 2021. Collection method: clinical testing. Allele origin: germline. Affected: yes.
Comment: Nucleotide is not conserved across species and the substitution has no predicted effect on splicing; Not observed at significant frequency in large population cohorts (gnomAD); This variant is associated with the following publications: (PMID: 16207219, 27022412, 35271763, 36343861, 33763395, 36096368, 39502306, 38551385, 40246151, Cumpata2024[CaseReport])

Women's Health and Genetics/Laboratory Corporation of America, LabCorp
Classification: Likely pathogenic for Wilson disease. Last evaluated: 2025-06-10. Review status: criteria provided, single submitter. Criteria: LabCorp Variant Classification Summary - May 2015. Collection method: clinical testing. Allele origin: germline.
Comment: Variant summary: ATP7B c.2292C>T alters a conserved nucleotide resulting in a synonymous change. Consensus agreement among computation tools predict no significant impact on normal splicing. However, preliminary reports provided experimental evidence that this might affect mRNA splicing, resulting in partial splice defect, with an in-frame skipping of exon 8 (Wilson_2009, Panzer_2019); in addition, the deletion of exon 8 at the protein level was shown to result in decreased protein level, mislocalization of the shorter protein, and CHO cells expressing ATP7B-delEx8 showed severe inability to tolerate copper (Wilson_2009). The variant allele was found at a frequency of 4e-06 in 249564 control chromosomes. c.2292C>T has been observed in compound heterozygous individuals (with a pathogenic variant in trans), who were affected with Wilson Disease (Singh_2019, Panzer_2019, Collins_2021, Fang_2021). In addition, a recent report based on literature/database reviews, cited the variant in 11 patients affected with Wilson disease, noting that all carried a well-known second variant, and the allele frequency of the variant c.2292C>T was found to be >650-fold higher in this Wilson disease cohort than in public databases (Espinos_2020). The following publications have been ascertained in the context of this evaluation (PMID: 18371106, 15967699, 27022412, 16207219, 31059521, 33719328, 33640437, 32613181, 33763395, 19540904).ClinVar contains an entry for this variant (Variation ID: 157937). Based on the evidence outlined above, the variant was classified as likely pathogenic.

Lildballe Lab, Aarhus University Hospital
Classification: Likely benign for Wilson disease. Last evaluated: 2024-08-29. Review status: criteria provided, single submitter. Criteria: ACMG Guidelines, 2015. Collection method: clinical testing. Allele origin: germline. Affected: yes.
Comment: PM2, PP5, BP4, BP7

Genome-Nilou Lab
Classification: Likely pathogenic for Wilson disease. Last evaluated: 2024-07-21. Review status: criteria provided, single submitter. Criteria: ACMG Guidelines, 2015. Collection method: clinical testing. Allele origin: germline. Inheritance: Autosomal recessive inheritance. Affected: no.

ARUP Laboratories, Molecular Genetics and Genomics, ARUP Laboratories
Classification: Likely pathogenic for Wilson disease. Last evaluated: 2024-06-14. Review status: criteria provided, single submitter. Criteria: ARUP Molecular Germline Variant Investigation Process 2024. Collection method: clinical testing. Allele origin: germline.
Comment: The ATP7B c.2292C>T; p.Phe764Phe variant (rs372979339, ClinVar Variation ID: 157937) is reported as a polymorphism in individuals with Wilson disease (Dong 2016, Todorov 2005, Vrabelova 2005), but without specifying the genotype. However, recently this variant been seen in several compound heterozygous (confirmed in trans) and homozygous individuals with Wilson disease without any other molecular explanation for disease (Espinos 2020, Fang 2021, Panzer 2022). In a Wilson disease cohort, this variant was found in 14 out of 560 in cases where there was only one reported disease causing variant (Panzer 2022). This variant is only observed on two alleles in the Genome Aggregation Database (v2.1.1), indicating it is not a common polymorphism. This is a synonymous variant and computational analyses (Alamut Visual Plus v.1.5.1) predict that this variant does not alter splicing. However, splicing analysis on cultured fibroblasts demonstrate increased skipping of exon 8 (Panzer 2022) and splicing analysis on leukocytes demonstrate transcription similar to wild type (Xu 2023). Based on available information, this variant is considered to be likely pathogenic. References: Dong Y et al. Spectrum and Classification of ATP7B Variants in a Large Cohort of Chinese Patients with Wilson's Disease Guides Genetic Diagnosis. Theranostics. 2016 Mar 3;6(5):638-49. PMID: 27022412. EspinÃ³s C et al. Are the new genetic tools for diagnosis of Wilson disease helpful in clinical practice? JHEP Rep. 2020 Apr 18;2(4):100114. PMID: 32613181. Fang Y et al. Clinical and Genetic Spectra of Inherited Liver Disease in Children in China. Front Pediatr. 2021 Mar 4;9:631620. PMID: 33763395. Panzer M et al. Synonymous mutation in adenosine triphosphatase copper-transporting beta causes enhanced exon skipping in Wilson disease. Hepatol Commun. 2022 Jul;6(7):1611-1619. PMID: 35271763. Todorov T et al. Spectrum of mutations in the Wilson disease gene (ATP7B) in the Bulgarian population. Clin Genet. 2005 Nov;68(5):474-6. PMID: 16207219. Vrabelova S et al. Mutation analysis of the ATP7B gene and genotype/phenotype correlation in 227 patients with Wilson disease. Mol Genet Metab. 2005 Sep-Oct;86(1-2):277-85. PMID: 15967699. Xu WQ et al. Pathogenicity of Intronic and Synonymous Variants of ATP7B in Wilson Disease. J Mol Diagn. 2023 Jan;25(1):57-67. PMID: 36343861.

Fulgent Genetics
Classification: Likely pathogenic for Wilson disease. Last evaluated: 2024-06-10. Review status: criteria provided, single submitter. Criteria: ACMG Guidelines, 2015. Collection method: clinical testing. Allele origin: germline.

NM_000053.4(ATP7B):c.2292C>T (p.Phe764=)

Gene: ATP7B (ATPase copper transporting beta; minus strand). Cytogenetic location: 13q14.3.
Variant type: single nucleotide variant.
Coding change: c.2292C>T on transcript NM_000053.4 (MANE Select); coding-DNA position 2292, C replaced by T.
Protein change: p.Phe764=; no amino-acid change (phenylalanine 764 retained).
Molecular consequence: synonymous variant. On other transcripts: intron variant (2).
Genome position (GRCh38, 1-based): chr13:51,958,374, G>A on the plus strand (C>T on the coding strand, the complement: ATP7B is on the minus strand). VCF-style: chr13-51958374-G-A. GRCh37 (hg19) VCF-style: chr13-52532510-G-A.
Other names: c.1959C>T, p.Phe653= (NM_001243182.2); c.2040C>T, p.Phe680= (NM_001330579.2); c.1870-767C>T (NM_001005918.3); c.2122-767C>T (NM_001330578.2).
Identifiers: ClinVar variation 157937 (VCV000157937.59), dbSNP rs372979339, ClinGen allele CA171298.